The following is an entry in ClinVar:

NM_001377265.1(MAPT):c.1732+8_1732+10del

Gene: MAPT (microtubule associated protein tau). Cytogenetic location: 17q21.31.
Variant type: Microsatellite.
Coding change: c.1732+8_1732+10del on transcript NM_001377265.1 (MANE Select); bases 8 to 10 of the intron after coding-DNA position 1732, this stretch deleted.
Molecular consequence: intron variant.
Genome position: GRCh38 VCF-style: chr17-45991588-TAAG-T. GRCh37 (hg19) VCF-style: chr17-44068954-TAAG-T.
Other names: c.382+8_382+10del (NM_001377268.1, NM_016834.5, NM_016841.5); c.1507+8_1507+10del (NM_001123066.4, NM_016835.5); c.556+8_556+10del (NM_005910.6, NM_001203252.2); c.1534+8_1534+10del (NM_001377266.1); c.469+8_469+10del (NM_001123067.4, NM_001203251.2, NM_001377267.1); c.1507+8_1507+10delGAA (NM_001123066.3).
Identifiers: ClinVar variation 1653668 (VCV001653668.10), dbSNP rs745595533, ClinGen allele CA8617984.

ClinVar aggregate classification (germline): Likely benign. Review status: criteria provided, single submitter (1 of 4 stars). 2 submissions from 2 submitters: Likely benign (1). 1 of the submissions does not count toward it. Last evaluated 2025-04-10.

Conditions:
Frontotemporal dementia (FTD1). Also called: WILHELMSEN-LYNCH DISEASE; Frontotemporal lobe dementia (FLDEM); MULTIPLE SYSTEM TAUOPATHY WITH PRESENILE DEMENTIA; FRONTOTEMPORAL DEMENTIA WITH PARKINSONISM; FRONTOTEMPORAL LOBE DEMENTIA; Dementia, frontotemporal, with or without parkinsonism. Identifiers: Orphanet 282, MedGen C0338451, MONDO:0017276, OMIM 600274, HP:0002145.
MAPT-related disorder. Also called: MAPT-related condition; MAPT-Related Disorders.

Submissions (2):

Labcorp Genetics (formerly Invitae), Labcorp
Classification: Likely benign for Frontotemporal dementia. Last evaluated: 2025-04-10. Review status: criteria provided, single submitter. Criteria: Invitae Variant Classification Sherloc (09022015). Collection method: clinical testing. Allele origin: germline.

PreventionGenetics, part of Exact Sciences
Classification: Likely benign for MAPT-related condition. Last evaluated: 2019-03-25. Review status: no assertion criteria provided. Collection method: clinical testing. Allele origin: germline. Not counted in ClinVar's aggregate classification.
Comment: This variant is classified as likely benign based on ACMG/AMP sequence variant interpretation guidelines (Richards et al. 2015 PMID: 25741868, with internal and published modifications).